The following is an entry in ClinVar:

ClinVar aggregate classification (germline): Uncertain significance (1 of 4 stars; one submission).

Conditions:
Developmental and epileptic encephalopathy, 1 (DEE1). Also called: INFANTILE SPASM SYNDROME, X-LINKED 1; X-linked infantile spasms; West's syndrome; Tonic spasms with clustering, arrest of psychomotor development and hypsarrhythmia on EEG; X-Linked Infantile Spasm Syndrome; OHTAHARA SYNDROME, X-LINKED. Identifiers: MedGen C3463992, MONDO:0010632, OMIM 308350. Disease mechanism: loss of function.
Intellectual disability, X-linked, with or without seizures, ARX-related. Also called: MENTAL RETARDATION, X-LINKED 29; MENTAL RETARDATION, X-LINKED 32; MENTAL RETARDATION, X-LINKED 33; MENTAL RETARDATION, X-LINKED 38; MENTAL RETARDATION, X-LINKED 43; MENTAL RETARDATION, X-LINKED 76. Identifiers: Orphanet 777, MedGen C0796244, MONDO:0010317, OMIM 300419.

Allele frequency attached by ClinVar (database versions not stated): gnomAD 0.00003; TOPMed 0.00001.
gnomAD v4.1: 3 of 788,625 alleles (0.00038%); highest among the groups gnomAD compares: African/African-American, 0.007%; no homozygotes.

Submission:

Labcorp Genetics (formerly Invitae), Labcorp
Classification: Uncertain significance for Developmental and epileptic encephalopathy, 1; Intellectual disability, X-linked, with or without seizures, ARX-related. Last evaluated: 2025-05-27. Review status: criteria provided, single submitter. Criteria: Invitae Variant Classification Sherloc (09022015). Collection method: clinical testing. Allele origin: germline.
Comment: This sequence change replaces alanine, which is neutral and non-polar, with glycine, which is neutral and non-polar, at codon 152 of the ARX protein (p.Ala152Gly). This variant is present in population databases (no rsID available, gnomAD 0.04%). This variant has not been reported in the literature in individuals affected with ARX-related conditions. ClinVar contains an entry for this variant (Variation ID: 1519650). Invitae Evidence Modeling of protein sequence and biophysical properties (such as structural, functional, and spatial information, amino acid conservation, physicochemical variation, residue mobility, and thermodynamic stability) indicates that this missense variant is not expected to disrupt ARX protein function with a negative predictive value of 95%. In summary, the available evidence is currently insufficient to determine the role of this variant in disease. Therefore, it has been classified as a Variant of Uncertain Significance.

NM_139058.3(ARX):c.455C>G (p.Ala152Gly)

Genes: ARX (aristaless related homeobox; minus strand), LOC109610631 (aristaless related homeobox polyalanine expansion region; plus strand). Cytogenetic location: Xp21.3.
Variant type: single nucleotide variant.
Coding change: c.455C>G on transcript NM_139058.3 (MANE Select); coding-DNA position 455, C replaced by G.
Protein change: p.Ala152Gly; replaces alanine 152 with glycine.
Molecular consequence: missense variant.
Genome position (GRCh38, 1-based): chrX:25,013,540, G>C on the plus strand (C>G on the coding strand, the complement: ARX is on the minus strand). VCF-style: chrX-25013540-G-C. GRCh37 (hg19) VCF-style: chrX-25031657-G-C.
Other names: short protein forms A152G.
Identifiers: ClinVar variation 1519650 (VCV001519650.6), dbSNP rs1184388194, ClinGen allele CA412613150.
Genomic context (GRCh38, chrX:25,013,540, plus strand): 5'-CTGCGGCTGATGCTCACCTGCGGCGCCTGGCTGATCTTGAGCGTGTCCCAGGCCGCGGCG[G>C]CCGCGGCCGCGGCTGCCGCGGCGGCCCCTGCGCCGTCCGGCCGTTCCCCGGGCCGCGCGG-3'
Protein context (NP_620689.1, residues 142-162): AGAAAAAAAA[Ala152Gly]AAAWDTLKIS